The following is an entry in ClinVar:

ClinVar aggregate classification (germline): Uncertain significance (1 of 4 stars; one submission).

Conditions:
Primary ciliary dyskinesia. Also called: Ciliary dyskinesia. Identifiers: Orphanet 244, MedGen C0008780, MONDO:0016575, HP:0012265.

gnomAD v4.1: 3 of 1,614,158 alleles (0.00019%); highest among the groups gnomAD compares: Non-Finnish European, 0.00017%; no homozygotes.

Submission:

Labcorp Genetics (formerly Invitae), Labcorp
Classification: Uncertain significance for Primary ciliary dyskinesia. Last evaluated: 2025-11-25. Review status: criteria provided, single submitter. Criteria: Invitae Variant Classification Sherloc (09022015). Collection method: clinical testing. Allele origin: germline.
Comment: This sequence change replaces glutamic acid, which is acidic and polar, with glycine, which is neutral and non-polar, at codon 121 of the RSPH9 protein (p.Glu121Gly). This variant is not present in population databases (gnomAD no frequency). This variant has not been reported in the literature in individuals affected with RSPH9-related conditions. An algorithm developed to predict the effect of missense changes on protein structure and function (PolyPhen-2) suggests that this variant is likely to be tolerated. In summary, the available evidence is currently insufficient to determine the role of this variant in disease. Therefore, it has been classified as a Variant of Uncertain Significance.

NM_152732.5(RSPH9):c.362A>G (p.Glu121Gly)

Gene: RSPH9 (radial spoke head component 9; plus strand). Cytogenetic location: 6p21.1.
Variant type: single nucleotide variant.
Coding change: c.362A>G on transcript NM_152732.5 (MANE Select); coding-DNA position 362, A replaced by G.
Protein change: p.Glu121Gly; replaces glutamic acid 121 with glycine.
Molecular consequence: missense variant. On other transcripts: non-coding transcript variant (1).
Genome position (GRCh38, 1-based): chr6:43,650,509, A>G. VCF-style: chr6-43650509-A-G. GRCh37 (hg19) VCF-style: chr6-43618246-A-G.
Other names: c.362A>G, p.Glu121Gly (NM_001193341.2, NM_001424119.1, NM_001424120.1 and 1 more transcripts); short protein forms E121G.
Identifiers: ClinVar variation 4763291 (VCV004763291.1).